The following is an entry in ClinVar:

ClinVar aggregate classification (germline): Uncertain significance. Review status: criteria provided, multiple submitters, no conflicts (2 of 4 stars). 2 submissions from 2 submitters: Uncertain significance (2). Last evaluated 2025-08-01.

Conditions:
Inborn genetic diseases. Identifiers: MedGen C0950123, MeSH D030342.

Allele frequency attached by ClinVar (database versions not stated): gnomAD 0.00001; gnomAD exomes 0.00001; TOPMed 0.00001.

Submissions (2):

Ambry Genetics
Classification: Uncertain significance for Inborn genetic diseases. Last evaluated: 2025-08-01. Review status: criteria provided, single submitter. Criteria: Ambry Variant Classification Scheme 2023. Collection method: clinical testing. Allele origin: germline.

GeneDx
Classification: Uncertain significance. Last evaluated: 2022-12-06. Review status: criteria provided, single submitter. Criteria: GeneDx Variant Classification Process June 2021. Collection method: clinical testing. Allele origin: germline. Affected: yes.
Comment: In silico analysis supports that this missense variant does not alter protein structure/function; Has not been previously published as pathogenic or benign to our knowledge

NM_001009944.3(PKD1):c.1453G>A (p.Glu485Lys)

Gene: PKD1 (polycystin 1, transient receptor potential channel interacting; minus strand). Cytogenetic location: 16p13.3.
Variant type: single nucleotide variant.
Coding change: c.1453G>A on transcript NM_001009944.3 (MANE Select); coding-DNA position 1453, G replaced by A.
Protein change: p.Glu485Lys; replaces glutamic acid 485 with lysine.
Molecular consequence: missense variant.
Genome position (GRCh38, 1-based): chr16:2,116,986, C>T on the plus strand (G>A on the coding strand, the complement: PKD1 is on the minus strand). VCF-style: chr16-2116986-C-T. GRCh37 (hg19) VCF-style: chr16-2166987-C-T.
Other names: c.1453G>A (NM_000296.3); c.1453G>A, p.Glu485Lys (NM_000296.4); short protein forms E485K.
Identifiers: ClinVar variation 2504756 (VCV002504756.2), dbSNP rs1172709757, ClinGen allele CA394392088.